The following is an entry in ClinVar:

NM_033380.3(COL4A5):c.314G>C (p.Gly105Ala)

Gene: COL4A5 (collagen type IV alpha 5 chain; plus strand). Cytogenetic location: Xq22.3.
Variant type: single nucleotide variant.
Coding change: c.314G>C on transcript NM_033380.3 (MANE Select); coding-DNA position 314, G replaced by C.
Protein change: p.Gly105Ala; replaces glycine 105 with alanine.
Molecular consequence: missense variant.
Genome position (GRCh38, 1-based): chrX:108,568,666, G>C. VCF-style: chrX-108568666-G-C. GRCh37 (hg19) VCF-style: chrX-107811896-G-C.
Other names: c.314G>C, p.Gly105Ala (NM_000495.5); short protein forms G105A.
Identifiers: ClinVar variation 959357 (VCV000959357.10), dbSNP rs1569488381, ClinGen allele CA413917959.

ClinVar aggregate classification (germline): Likely pathogenic. Review status: criteria provided, multiple submitters, no conflicts (2 of 4 stars). 4 submissions from 4 submitters: Likely pathogenic (4). Last evaluated 2025-09-02.

Conditions:
X-linked Alport syndrome (ATS1). Also called: NEPHROPATHY AND DEAFNESS, X-LINKED; COL4A5-Related Nephropathy. Identifiers: Orphanet 63, Orphanet 88917, MedGen C4746986, MONDO:0010520, OMIM 301050.

Allele frequency attached by ClinVar (database versions not stated): gnomAD exomes 0.00001.

Submissions (4):

Natera, Inc.
Classification: Likely pathogenic for X-linked Alport syndrome. Last evaluated: 2025-09-02. Review status: criteria provided, single submitter. Criteria: Natera Variant Classification Schema (03/2026). Collection method: clinical testing. Allele origin: germline.
Comment: The c.314G>C variant in COL4A5 is a missense variant predicted to cause substitution of glycine to alanine at amino acid 105. This variant is rare in the general population with a frequency below the threshold expected for the associated phenotype(s). This variant is located in a functionally critical region of the protein. Computational prediction algorithms indicate this variant is likely to affect gene or protein function. Given the available evidence, this variant is classified as Likely Pathogenic.

Fulgent Genetics
Classification: Likely pathogenic for X-linked Alport syndrome. Last evaluated: 2024-06-10. Review status: criteria provided, single submitter. Criteria: ACMG Guidelines, 2015. Collection method: clinical testing. Allele origin: germline.

Women's Health and Genetics/Laboratory Corporation of America, LabCorp
Classification: Likely pathogenic for X-linked Alport syndrome. Last evaluated: 2023-10-11. Review status: criteria provided, single submitter. Criteria: LabCorp Variant Classification Summary - May 2015. Collection method: clinical testing. Allele origin: germline.
Comment: Variant summary: COL4A5 c.314G>C (p.Gly105Ala) results in a non-conservative amino acid change affecting a Gly-X-Y repeat located in the triple-helical region (UniProt) of the encoded protein sequence. Alterations of glycine residues within the collagen triple-helix are common mechanisms of disease. Five of five in-silico tools predict a damaging effect of the variant on protein function. The variant allele was found at a frequency of 5.5e-06 in 183404 control chromosomes (gnomAD). To our knowledge, no occurrence of c.314G>C in individuals affected with Alport Syndrome and no experimental evidence demonstrating its impact on protein function have been reported. One submitter has cited a clinical-significance assessment for this variant to ClinVar after 2014 and has classified the variant as likely pathogenic. Based on the evidence outlined above, the variant was classified as likely pathogenic.

Labcorp Genetics (formerly Invitae), Labcorp
Classification: Likely pathogenic. Last evaluated: 2021-09-25. Review status: criteria provided, single submitter. Criteria: Invitae Variant Classification Sherloc (09022015). Collection method: clinical testing. Allele origin: germline.
Comment: In summary, the currently available evidence indicates that the variant is pathogenic, but additional data are needed to prove that conclusively. Therefore, this variant has been classified as Likely Pathogenic. Algorithms developed to predict the effect of missense changes on protein structure and function (SIFT, PolyPhen-2, Align-GVGD) all suggest that this variant is likely to be disruptive. This variant has not been reported in the literature in individuals affected with COL4A5-related conditions. This variant is not present in population databases (ExAC no frequency). This sequence change replaces glycine with alanine at codon 105 of the COL4A5 protein (p.Gly105Ala). The glycine residue is highly conserved and there is a small physicochemical difference between glycine and alanine. This variant disrupts the triple helix domain of COL4A5. Glycine residues within the Gly-Xaa-Yaa repeats of the triple helix domain are required for the structure and stability of fibrillar collagens (PMID: 7695699, 8218237, 19344236). In COL4A5, missense variants at these glycine residues are significantly enriched in individuals with disease (PMID: 23720012, 27627812) compared to the general population (ExAC).

Literature cited by the submitters: PubMed 7695699 (cited by Labcorp Genetics (formerly Invitae), Labcorp); PubMed 8218237 (cited by Labcorp Genetics (formerly Invitae), Labcorp); PubMed 19344236 (cited by Labcorp Genetics (formerly Invitae), Labcorp); PubMed 23720012 (cited by Labcorp Genetics (formerly Invitae), Labcorp); PubMed 27627812 (cited by Labcorp Genetics (formerly Invitae), Labcorp).